The following is an entry in ClinVar:

ClinVar aggregate classification (germline): Uncertain significance (1 of 4 stars; one submission).

Submission:

GeneDx
Classification: Uncertain significance. Last evaluated: 2024-07-05. Review status: criteria provided, single submitter. Criteria: GeneDx Variant Classification Process June 2021. Collection method: clinical testing. Allele origin: germline. Affected: yes.
Comment: Not observed at significant frequency in large population cohorts (gnomAD); In silico analysis supports that this missense variant has a deleterious effect on protein structure/function; Has not been previously published as pathogenic or benign to our knowledge

NM_000496.3(CRYBB2):c.206G>A (p.Gly69Asp)

Gene: CRYBB2 (crystallin beta B2; plus strand). Cytogenetic location: 22q11.23.
Variant type: single nucleotide variant.
Coding change: c.206G>A on transcript NM_000496.3 (MANE Select); coding-DNA position 206, G replaced by A.
Protein change: p.Gly69Asp; replaces glycine 69 with aspartic acid.
Molecular consequence: missense variant.
Genome position (GRCh38, 1-based): chr22:25,227,885, G>A. VCF-style: chr22-25227885-G-A. GRCh37 (hg19) VCF-style: chr22-25623852-G-A.
Other names: short protein forms G69D.
Identifiers: ClinVar variation 3393748 (VCV003393748.1).
Genomic context (GRCh38, chr22:25,227,885, plus strand): 5'-GCCCCCTTTCTCTCTGTCTCCATGGCAGCTGGGTGGGCTATGAACAGGCCAACTGCAAGG[G>A]CGAGCAGTTTGTGTTTGAGAAGGGTGAGTACCCCCGCTGGGACTCATGGACCAGCAGCCG-3'
Protein context (NP_000487.1, residues 59-79): WVGYEQANCK[Gly69Asp]EQFVFEKGEY